The following is an entry in ClinVar:

ClinVar aggregate classification (germline): Uncertain significance (1 of 4 stars; one submission).

gnomAD v4.1: 2 of 1,612,380 alleles (0.00012%); highest among the groups gnomAD compares: Non-Finnish European, 0.00017%; no homozygotes.

Submission:

Labcorp Genetics (formerly Invitae), Labcorp
Classification: Uncertain significance. Last evaluated: 2022-05-03. Review status: criteria provided, single submitter. Criteria: Invitae Variant Classification Sherloc (09022015). Collection method: clinical testing. Allele origin: germline.
Comment: This variant has not been reported in the literature in individuals affected with TUBGCP6-related conditions. In summary, the available evidence is currently insufficient to determine the role of this variant in disease. Therefore, it has been classified as a Variant of Uncertain Significance. Algorithms developed to predict the effect of missense changes on protein structure and function are either unavailable or do not agree on the potential impact of this missense change (SIFT: "Tolerated"; PolyPhen-2: "Possibly Damaging"; Align-GVGD: "Class C0"). This variant is not present in population databases (gnomAD no frequency). This sequence change replaces glutamic acid, which is acidic and polar, with lysine, which is basic and polar, at codon 1715 of the TUBGCP6 protein (p.Glu1715Lys).

NM_020461.4(TUBGCP6):c.5143G>A (p.Glu1715Lys)

Gene: TUBGCP6 (tubulin gamma complex component 6; minus strand). Cytogenetic location: 22q13.33.
Variant type: single nucleotide variant.
Coding change: c.5143G>A on transcript NM_020461.4 (MANE Select); coding-DNA position 5143, G replaced by A.
Protein change: p.Glu1715Lys; replaces glutamic acid 1715 with lysine.
Molecular consequence: missense variant.
Genome position (GRCh38, 1-based): chr22:50,218,214, C>T on the plus strand (G>A on the coding strand, the complement: TUBGCP6 is on the minus strand). VCF-style: chr22-50218214-C-T. GRCh37 (hg19) VCF-style: chr22-50656643-C-T.
Other names: short protein forms E1715K.
Identifiers: ClinVar variation 1932535 (VCV001932535.5), dbSNP rs1471809866, ClinGen allele CA412163951.